The following is an entry in ClinVar:

NM_001197104.2(KMT2A):c.2557A>C (p.Lys853Gln)

Gene: KMT2A (lysine methyltransferase 2A; plus strand). Cytogenetic location: 11q23.3.
Variant type: single nucleotide variant.
Coding change: c.2557A>C on transcript NM_001197104.2 (MANE Select); coding-DNA position 2557, A replaced by C.
Protein change: p.Lys853Gln; replaces lysine 853 with glutamine.
Molecular consequence: missense variant.
Genome position (GRCh38, 1-based): chr11:118,473,716, A>C. VCF-style: chr11-118473716-A-C. GRCh37 (hg19) VCF-style: chr11-118344431-A-C.
Other names: c.2656A>C, p.Lys886Gln (NM_001412597.1); c.2557A>C, p.Lys853Gln (NM_005933.4); short protein forms K886Q, K853Q.
Identifiers: ClinVar variation 1905991 (VCV001905991.6), dbSNP rs377739026, ClinGen allele CA382816106.
Genomic context (GRCh38, chr11:118,473,716, plus strand): 5'-ACTCCTCTCTTCCCTTGGTTTACCCCAGGCTCTCAGACTGAAAGAGGGAGAAATAAAGAC[A>C]AGGCCCCCGAGGAGCTGTCCAAAGATCGAGATGCTGACAAGAGCGTGGAGAAGGACAAGA-3'
Protein context (NP_001184033.1, residues 843-863): SQTERGRNKD[Lys853Gln]APEELSKDRD

ClinVar aggregate classification (germline): Uncertain significance. Review status: criteria provided, multiple submitters, no conflicts (2 of 4 stars). 2 submissions from 2 submitters: Uncertain significance (2). Last evaluated 2025-11-18.

gnomAD v4.1: 14 of 1,614,192 alleles (0.00087%); highest among the groups gnomAD compares: Non-Finnish European, 0.0011%; no homozygotes.

Submissions (2):

Women's Health and Genetics/Laboratory Corporation of America, LabCorp
Classification: Uncertain significance. Last evaluated: 2025-11-18. Review status: criteria provided, single submitter. Criteria: LabCorp Variant Classification Summary - May 2015. Collection method: clinical testing. Allele origin: germline.
Comment: Variant summary: KMT2A c.2557A>C (p.Lys853Gln) results in a conservative amino acid change in the encoded protein sequence. Algorithms developed to predict the effect of missense changes on protein structure and function all suggest that this variant is likely to be tolerated. The variant was absent in 249844 control chromosomes. The available data on variant occurrences in the general population are insufficient to allow any conclusion about variant significance. To our knowledge, no occurrence of c.2557A>C in individuals affected with KMT2A-related conditions and no experimental evidence demonstrating its impact on protein function have been reported. ClinVar contains an entry for this variant (Variation ID: 1905991). Based on the evidence outlined above, the variant was classified as uncertain significance.

Labcorp Genetics (formerly Invitae), Labcorp
Classification: Uncertain significance. Last evaluated: 2025-10-29. Review status: criteria provided, single submitter. Criteria: Invitae Variant Classification Sherloc (09022015). Collection method: clinical testing. Allele origin: germline.
Comment: This sequence change replaces lysine, which is basic and polar, with glutamine, which is neutral and polar, at codon 853 of the KMT2A protein (p.Lys853Gln). This variant is not present in population databases (gnomAD no frequency). This variant has not been reported in the literature in individuals affected with KMT2A-related conditions. ClinVar contains an entry for this variant (Variation ID: 1905991). Invitae Evidence Modeling of protein sequence and biophysical properties (such as structural, functional, and spatial information, amino acid conservation, physicochemical variation, residue mobility, and thermodynamic stability) indicates that this missense variant is not expected to disrupt KMT2A protein function with a negative predictive value of 95%. In summary, the available evidence is currently insufficient to determine the role of this variant in disease. Therefore, it has been classified as a Variant of Uncertain Significance.